The following is an entry in ClinVar:

NM_000557.5(GDF5):c.963C>T (p.Ala321=)

Genes: GDF5 (growth differentiation factor 5; minus strand), GDF5-AS1 (GDF5 antisense RNA 1; plus strand). Cytogenetic location: 20q11.22.
Variant type: single nucleotide variant.
Coding change: c.963C>T on transcript NM_000557.5 (MANE Select); coding-DNA position 963, C replaced by T.
Protein change: p.Ala321=; no amino-acid change (alanine 321 retained).
Molecular consequence: synonymous variant. On other transcripts: non-coding transcript variant (1).
Genome position (GRCh38, 1-based): chr20:35,434,452, G>A on the plus strand (C>T on the coding strand, the complement: GDF5 is on the minus strand). VCF-style: chr20-35434452-G-A. GRCh37 (hg19) VCF-style: chr20-34022250-G-A.
Other names: c.963C>T, p.Ala321= (NM_001319138.2).
Identifiers: ClinVar variation 1573091 (VCV001573091.25), dbSNP rs574958586, ClinGen allele CA9832199.

ClinVar aggregate classification (germline): Likely benign. Review status: criteria provided, multiple submitters, no conflicts (2 of 4 stars). 2 submissions from 2 submitters: Likely benign (2). Last evaluated 2026-06-01.

Allele frequency attached by ClinVar (database versions not stated): gnomAD 0.00001; ExAC 0.00004; TOPMed 0.00001; gnomAD exomes 0.00002.
gnomAD v4.1: 51 of 1,612,922 alleles (0.0032%); highest among the groups gnomAD compares: Non-Finnish European, 0.004%; no homozygotes.

Submissions (2):

CeGaT Center for Human Genetics Tuebingen
Classification: Likely benign. Last evaluated: 2026-06-01. Review status: criteria provided, single submitter. Criteria: CeGaT Center For Human Genetics Tuebingen Variant Classification Criteria Version 2. Collection method: clinical testing. Allele origin: germline. Affected: yes. Observed: 2 variant alleles.
Comment: GDF5-AS1: BP4, BP7; GDF5: BP4, BP7

Labcorp Genetics (formerly Invitae), Labcorp
Classification: Likely benign. Last evaluated: 2025-01-09. Review status: criteria provided, single submitter. Criteria: Invitae Variant Classification Sherloc (09022015). Collection method: clinical testing. Allele origin: germline.